The following is an entry in ClinVar:

NM_001079668.3(NKX2-1):c.821G>C (p.Cys274Ser)

Genes: SFTA3 (surfactant associated 3; minus strand), NKX2-1 (NK2 homeobox 1; minus strand). Cytogenetic location: 14q13.3.
Variant type: single nucleotide variant.
Coding change: c.821G>C on transcript NM_001079668.3 (MANE Select); coding-DNA position 821, G replaced by C.
Protein change: p.Cys274Ser; replaces cysteine 274 with serine.
Molecular consequence: missense variant.
Genome position (GRCh38, 1-based): chr14:36,517,663, C>G on the plus strand (G>C on the coding strand, the complement: NKX2-1 is on the minus strand). VCF-style: chr14-36517663-C-G. GRCh37 (hg19) VCF-style: chr14-36986868-C-G.
Other names: c.731G>C, p.Cys244Ser (NM_003317.4); short protein forms C274S, C244S.
Identifiers: ClinVar variation 2739203 (VCV002739203.5), dbSNP rs1187701516, ClinGen allele CA389458972.

ClinVar aggregate classification (germline): Uncertain significance. Review status: criteria provided, multiple submitters, no conflicts (2 of 4 stars). 2 submissions from 2 submitters: Uncertain significance (2). Last evaluated 2024-03-01.

Allele frequency attached by ClinVar (database versions not stated): TOPMed below 0.00001; gnomAD 0.00001; gnomAD exomes 0.00003.

Submissions (2):

Women's Health and Genetics/Laboratory Corporation of America, LabCorp
Classification: Uncertain significance. Last evaluated: 2024-03-01. Review status: criteria provided, single submitter. Criteria: LabCorp Variant Classification Summary - May 2015. Collection method: clinical testing. Allele origin: germline.
Comment: Variant summary: NKX2-1 c.821G>C (p.Cys274Ser) results in a non-conservative amino acid change in the encoded protein sequence. Three of five in-silico tools predict a benign effect of the variant on protein function. The variant allele was found at a frequency of 3.3e-05 in 150354 control chromosomes (gnomAD). The available data on variant occurrences in the general population are insufficient to allow any conclusion about variant significance. To our knowledge, no occurrence of c.821G>C in individuals affected with Chorea, Hereditary Benign and no experimental evidence demonstrating its impact on protein function have been reported. ClinVar contains an entry for this variant (Variation ID: 2739203). Based on the evidence outlined above, the variant was classified as uncertain significance.

Labcorp Genetics (formerly Invitae), Labcorp
Classification: Uncertain significance. Last evaluated: 2023-07-28. Review status: criteria provided, single submitter. Criteria: Invitae Variant Classification Sherloc (09022015). Collection method: clinical testing. Allele origin: germline.
Comment: In summary, the available evidence is currently insufficient to determine the role of this variant in disease. Therefore, it has been classified as a Variant of Uncertain Significance. An algorithm developed to predict the effect of missense changes on protein structure and function (PolyPhen-2) suggests that this variant is likely to be tolerated. This variant has not been reported in the literature in individuals affected with NKX2-1-related conditions. This variant is present in population databases (no rsID available, gnomAD 0.007%). This sequence change replaces cysteine, which is neutral and slightly polar, with serine, which is neutral and polar, at codon 274 of the NKX2-1 protein (p.Cys274Ser).